The following is an entry in ClinVar:

NM_000019.4(ACAT1):c.49C>G (p.Pro17Ala)

Gene: ACAT1 (acetyl-CoA acetyltransferase 1; plus strand). Cytogenetic location: 11q22.3.
Variant type: single nucleotide variant.
Coding change: c.49C>G on transcript NM_000019.4 (MANE Select); coding-DNA position 49, C replaced by G.
Protein change: p.Pro17Ala; replaces proline 17 with alanine.
Molecular consequence: missense variant. On other transcripts: 5 prime UTR variant (3), non-coding transcript variant (2), intron variant (2).
Genome position (GRCh38, 1-based): chr11:108,121,655, C>G. VCF-style: chr11-108121655-C-G. GRCh37 (hg19) VCF-style: chr11-107992382-C-G.
Other names: c.49C>G, p.Pro17Ala (NM_001386677.1, NM_001386678.1); c.-229C>G (NM_001386679.1); c.-316C>G (NM_001386685.1); c.-321C>G (NM_001386686.1); c.-416+4753C>G (NM_001386682.1); c.-199+4753C>G (NM_001386681.1); short protein forms P17A.
Identifiers: ClinVar variation 3605221 (VCV003605221.2).

ClinVar aggregate classification (germline): Uncertain significance (1 of 4 stars; one submission).

Conditions:
Deficiency of acetyl-CoA acetyltransferase. Also called: MITOCHONDRIAL ACETOACETYL-CoA THIOLASE DEFICIENCY; Beta-ketothiolase deficiency; 3-KETOTHIOLASE DEFICIENCY; 3-OXOTHIOLASE DEFICIENCY. Identifiers: Orphanet 134, MedGen C1536500, MONDO:0008760, OMIM 203750. Disease mechanism: loss of function.

gnomAD v4.1: 2 of 1,549,844 alleles (0.00013%); highest among the groups gnomAD compares: Admixed American, 0.0039%; no homozygotes.

Submission:

Labcorp Genetics (formerly Invitae), Labcorp
Classification: Uncertain significance for Deficiency of acetyl-CoA acetyltransferase. Last evaluated: 2024-04-05. Review status: criteria provided, single submitter. Criteria: Invitae Variant Classification Sherloc (09022015). Collection method: clinical testing. Allele origin: germline.
Comment: This sequence change replaces proline, which is neutral and non-polar, with alanine, which is neutral and non-polar, at codon 17 of the ACAT1 protein (p.Pro17Ala). This variant is present in population databases (no rsID available, gnomAD 0.004%). This variant has not been reported in the literature in individuals affected with ACAT1-related conditions. Algorithms developed to predict the effect of missense changes on protein structure and function output the following: SIFT: "Not Available"; PolyPhen-2: "Benign"; Align-GVGD: "Not Available". The alanine amino acid residue is found in multiple mammalian species, which suggests that this missense change does not adversely affect protein function. In summary, the available evidence is currently insufficient to determine the role of this variant in disease. Therefore, it has been classified as a Variant of Uncertain Significance.